The following is an entry in ClinVar:

NM_000214.3(JAG1):c.390G>A (p.Arg130=)

Gene: JAG1 (jagged canonical Notch ligand 1; minus strand). Cytogenetic location: 20p12.2.
Variant type: single nucleotide variant.
Coding change: c.390G>A on transcript NM_000214.3 (MANE Select); coding-DNA position 390, G replaced by A.
Protein change: p.Arg130=; no amino-acid change (arginine 130 retained).
Molecular consequence: synonymous variant.
Genome position (GRCh38, 1-based): chr20:10,664,012, C>T on the plus strand (G>A on the coding strand, the complement: JAG1 is on the minus strand). VCF-style: chr20-10664012-C-T. GRCh37 (hg19) VCF-style: chr20-10644660-C-T.
Other names: c.390G>A (NM_000214.2).
Identifiers: ClinVar variation 1094101 (VCV001094101.14), dbSNP rs1417166073, ClinGen allele CA509662147.

ClinVar aggregate classification (germline): Likely benign. Review status: criteria provided, multiple submitters, no conflicts (2 of 4 stars). 3 submissions from 3 submitters: Likely benign (2). 1 of the submissions does not count toward it. Last evaluated 2022-11-02.

Conditions:
Cardiovascular phenotype. Identifiers: MedGen CN230736.
JAG1-related disorder. Also called: JAG1-related disorders; JAG1-related condition.
Alagille syndrome due to a JAG1 point mutation. Also called: HEPATIC DUCTULAR HYPOPLASIA, SYNDROMATIC; JAG1-Related Alagille Syndrome; Alagille Syndrome 1. Identifiers: Orphanet 261619, Orphanet 52, MedGen C1956125, MONDO:0016862, OMIM 118450.

Allele frequency attached by ClinVar (database versions not stated): gnomAD exomes below 0.00001 and 0.00002; gnomAD 0.00001.

Submissions (4):

Ambry Genetics
Classification: Likely benign for Cardiovascular phenotype. Last evaluated: 2022-11-02. Review status: criteria provided, single submitter. Criteria: Ambry Variant Classification Scheme 2023. Collection method: clinical testing. Allele origin: germline.

Labcorp Genetics (formerly Invitae), Labcorp
Classification: Likely benign for Alagille syndrome due to a JAG1 point mutation. Last evaluated: 2022-06-04. Review status: criteria provided, single submitter. Criteria: Invitae Variant Classification Sherloc (09022015). Collection method: clinical testing. Allele origin: germline.

PreventionGenetics, part of Exact Sciences
Classification: Likely benign for JAG1-related condition. Last evaluated: 2019-03-20. Review status: no assertion criteria provided. Collection method: clinical testing. Allele origin: germline. Not counted in ClinVar's aggregate classification.
Comment: This variant is classified as likely benign based on ACMG/AMP sequence variant interpretation guidelines (Richards et al. 2015 PMID: 25741868, with internal and published modifications).

Gilbert/Spinner Lab, Children's Hospital of Philadelphia
No classification provided (evidence only). Condition: Alagille syndrome. Review status: no classification provided. Collection method: research. Allele origin: not applicable. Functional consequence: functionally_abnormal. Not counted in ClinVar's aggregate classification.
ClinVar note: "not provided" was previously submitted as the classification for the variant. However, the classification appeared to be based only on an observation of functional data so it was converted to no classification on 2025-07-30.